The following is an entry in ClinVar:

NM_201384.3(PLEC):c.6127G>T (p.Ala2043Ser)

Gene: PLEC (plectin; minus strand). Cytogenetic location: 8q24.3.
Variant type: single nucleotide variant.
Coding change: c.6127G>T on transcript NM_201384.3 (MANE Select); coding-DNA position 6127, G replaced by T.
Protein change: p.Ala2043Ser; replaces alanine 2043 with serine.
Molecular consequence: missense variant.
Genome position (GRCh38, 1-based): chr8:143,923,802, C>A on the plus strand (G>T on the coding strand, the complement: PLEC is on the minus strand). VCF-style: chr8-143923802-C-A. GRCh37 (hg19) VCF-style: chr8-144997970-C-A.
Other names: c.6208G>T (NM_000445.3); c.6208G>T, p.Ala2070Ser (NM_000445.5); c.6085G>T, p.Ala2029Ser (NM_201378.4); c.6061G>T, p.Ala2021Ser (NM_201379.3); c.6538G>T, p.Ala2180Ser (NM_201380.4); c.6031G>T, p.Ala2011Ser (NM_201381.3); c.6127G>T, p.Ala2043Ser (NM_201382.4); c.6139G>T, p.Ala2047Ser (NM_201383.3); short protein forms A2011S, A2021S, A2029S, A2043S, A2047S, A2070S, A2180S.
Identifiers: ClinVar variation 498968 (VCV000498968.12), dbSNP rs370881215, ClinGen allele CA4926101.

ClinVar aggregate classification (germline): Uncertain significance. Review status: criteria provided, multiple submitters, no conflicts (2 of 4 stars). 4 submissions from 4 submitters: Uncertain significance (4). Last evaluated 2026-05-27.

Conditions:
Autosomal recessive limb-girdle muscular dystrophy type 2Q (LGMDR17). Also called: MUSCULAR DYSTROPHY, LIMB-GIRDLE, AUTOSOMAL RECESSIVE 17. Identifiers: Orphanet 254361, MedGen C3150989, MONDO:0013390, OMIM 613723.
Epidermolysis bullosa simplex 5B, with muscular dystrophy (EBS5B). Also called: EPIDERMOLYSIS BULLOSA SIMPLEX AND LIMB-GIRDLE MUSCULAR DYSTROPHY; Epidermolysis bullosa simplex with muscular dystrophy. Identifiers: Orphanet 257, MedGen C2931072, MONDO:0009181, OMIM 226670.
Epidermolysis bullosa simplex, Ogna type (EBS5A). Also called: Pidermolysis bullosa simplex 5A, Ogna type; EPIDERMOLYSIS BULLOSA SIMPLEX 5A, OGNA TYPE. Identifiers: Orphanet 79401, MedGen C0432317, MONDO:0007555, OMIM 131950.
Epidermolysis bullosa simplex with nail dystrophy (EBS5D). Identifiers: MedGen C4225309, MONDO:0014661, OMIM 616487.
Epidermolysis bullosa simplex 5C, with pyloric atresia (EBS5C). Also called: PLEC-Related Epidermolysis Bullosa with Pyloric Atresia; Epidermolysis bullosa simplex with pyloric atresia; PLEC1-Related Epidermolysis Bullosa with Pyloric Atresia. Identifiers: Orphanet 158684, MedGen C2677349, MONDO:0012807, OMIM 612138.
Inborn genetic diseases. Identifiers: MedGen C0950123, MeSH D030342.
PLEC-related disorder. Also called: PLEC-related disorders; PLEC-related condition.

Allele frequency attached by ClinVar (database versions not stated): TOPMed 0.00005; ESP Exome Variant Server 0.00009.
gnomAD v4.1: 40 of 1,578,976 alleles (0.0025%); highest among the groups gnomAD compares: African/African-American, 0.039%; no homozygotes.

Submissions (4):

PreventionGenetics, part of Exact Sciences
Classification: Uncertain significance for PLEC-related condition. Last evaluated: 2026-05-27. Review status: criteria provided, single submitter. Criteria: ACMG Guidelines, 2015. Collection method: clinical testing. Allele origin: germline.
Comment: The PLEC c.6208G>T variant is predicted to result in the amino acid substitution p.Ala2070Ser. To our knowledge, this variant has not been reported in the literature. This variant is reported in 0.052% of alleles in individuals of African descent in gnomAD, which is likely too common to be a primary cause of disease. Although we suspect this variant may be benign, at this time, the clinical significance of this variant is uncertain due to the absence of conclusive functional and genetic evidence.

Labcorp Genetics (formerly Invitae), Labcorp
Classification: Uncertain significance for Autosomal recessive limb-girdle muscular dystrophy type 2Q; Epidermolysis bullosa simplex, Ogna type; Epidermolysis bullosa simplex with nail dystrophy; Epidermolysis bullosa simplex 5C, with pyloric atresia; Epidermolysis bullosa simplex 5B, with muscular dystrophy. Last evaluated: 2025-12-11. Review status: criteria provided, single submitter. Criteria: Invitae Variant Classification Sherloc (09022015). Collection method: clinical testing. Allele origin: germline.
Comment: This sequence change replaces alanine, which is neutral and non-polar, with serine, which is neutral and polar, at codon 2070 of the PLEC protein (p.Ala2070Ser). The frequency data for this variant in the population databases is considered unreliable, as metrics indicate poor data quality at this position in the gnomAD database. This variant has not been reported in the literature in individuals affected with PLEC-related conditions. ClinVar contains an entry for this variant (Variation ID: 498968). An algorithm developed to predict the effect of missense changes on protein structure and function (PolyPhen-2) suggests that this variant is likely to be tolerated. In summary, the available evidence is currently insufficient to determine the role of this variant in disease. Therefore, it has been classified as a Variant of Uncertain Significance.

Ambry Genetics
Classification: Uncertain significance for Inborn genetic diseases. Last evaluated: 2025-04-04. Review status: criteria provided, single submitter. Criteria: Ambry Variant Classification Scheme 2023. Collection method: clinical testing. Allele origin: germline.

Eurofins Ntd Llc (ga)
Classification: Uncertain significance. Last evaluated: 2016-12-20. Review status: criteria provided, single submitter. Criteria: EGL Classification Definitions 2015. Collection method: clinical testing. Allele origin: germline. Observed: 2 variant alleles, 2 heterozygotes.